The following is an entry in ClinVar:

NM_001353345.2(SETD1B):c.1058C>T (p.Pro353Leu)

Gene: SETD1B (SET domain containing 1B, histone lysine methyltransferase; plus strand). Cytogenetic location: 12q24.31.
Variant type: single nucleotide variant.
Coding change: c.1058C>T on transcript NM_001353345.2 (MANE Select); coding-DNA position 1058, C replaced by T.
Protein change: p.Pro353Leu; replaces proline 353 with leucine.
Molecular consequence: missense variant.
Genome position (GRCh38, 1-based): chr12:121,810,003, C>T. VCF-style: chr12-121810003-C-T. GRCh37 (hg19) VCF-style: chr12-122247909-C-T.
Other names: NM_015048.1:c.1058C>T; short protein forms P353L.
Identifiers: ClinVar variation 1694682 (VCV001694682.33), dbSNP rs751321721, ClinGen allele CA6838826.

ClinVar aggregate classification (germline): Likely benign. Review status: criteria provided, multiple submitters, no conflicts (2 of 4 stars). 3 submissions from 3 submitters: Likely benign (2). 1 of the submissions does not count toward it. Last evaluated 2026-05-01.

Conditions:
SETD1B-related disorder. Also called: SETD1B-related condition.

Allele frequency attached by ClinVar (database versions not stated): gnomAD exomes 0.00050; gnomAD 0.00065; ExAC 0.00095.

Submissions (3):

CeGaT Center for Human Genetics Tuebingen
Classification: Likely benign. Last evaluated: 2026-05-01. Review status: criteria provided, single submitter. Criteria: CeGaT Center For Human Genetics Tuebingen Variant Classification Criteria Version 2. Collection method: clinical testing. Allele origin: germline. Affected: yes. Observed: 11 variant alleles.
Comment: SETD1B: BS2

Blueprint Genetics
Classification: Likely benign. Last evaluated: 2024-11-27. Review status: criteria provided, single submitter. Criteria: ACMG Guidelines, 2015. Collection method: clinical testing. Allele origin: germline.

PreventionGenetics, part of Exact Sciences
Classification: Likely benign for SETD1B-related condition. Last evaluated: 2023-09-29. Review status: no assertion criteria provided. Collection method: clinical testing. Allele origin: germline. Not counted in ClinVar's aggregate classification.
Comment: This variant is classified as likely benign based on ACMG/AMP sequence variant interpretation guidelines (Richards et al. 2015 PMID: 25741868, with internal and published modifications).